The following is an entry in ClinVar:

NM_001197104.2(KMT2A):c.11807A>G (p.Lys3936Arg)

Genes: KMT2A (lysine methyltransferase 2A; plus strand), TTC36-AS1 (TTC36 and KMT2A antisense RNA 1; minus strand). Cytogenetic location: 11q23.3.
Variant type: single nucleotide variant.
Coding change: c.11807A>G on transcript NM_001197104.2 (MANE Select); coding-DNA position 11807, A replaced by G.
Protein change: p.Lys3936Arg; replaces lysine 3936 with arginine.
Molecular consequence: missense variant.
Genome position (GRCh38, 1-based): chr11:118,522,060, A>G. VCF-style: chr11-118522060-A-G. GRCh37 (hg19) VCF-style: chr11-118392775-A-G.
Other names: c.11798A>G, p.Lys3933Arg (NM_005933.4); short protein forms K3936R, K3933R.
Identifiers: ClinVar variation 1465638 (VCV001465638.8), dbSNP rs2135299048, ClinGen allele CA382836444.

ClinVar aggregate classification (germline): Uncertain significance (1 of 4 stars; one submission).

Submission:

Labcorp Genetics (formerly Invitae), Labcorp
Classification: Uncertain significance. Last evaluated: 2021-07-12. Review status: criteria provided, single submitter. Criteria: Invitae Variant Classification Sherloc (09022015). Collection method: clinical testing. Allele origin: germline.
Comment: This sequence change replaces lysine with arginine at codon 3936 of the KMT2A protein (p.Lys3936Arg). The lysine residue is moderately conserved and there is a small physicochemical difference between lysine and arginine. This variant is not present in population databases (ExAC no frequency). This variant has not been reported in the literature in individuals affected with KMT2A-related conditions. Advanced modeling of protein sequence and biophysical properties (such as structural, functional, and spatial information, amino acid conservation, physicochemical variation, residue mobility, and thermodynamic stability) performed at Invitae indicates that this missense variant is not expected to disrupt KMT2A protein function. Algorithms developed to predict the effect of sequence changes on RNA splicing suggest that this variant may create or strengthen a splice site. In summary, the available evidence is currently insufficient to determine the role of this variant in disease. Therefore, it has been classified as a Variant of Uncertain Significance.